The following is an entry in ClinVar:

ClinVar aggregate classification (germline): Conflicting classifications of pathogenicity. Review status: criteria provided, conflicting classifications (1 of 4 stars). 5 submissions from 5 submitters: Likely pathogenic (3); Uncertain significance (2). Last evaluated 2025-10-28.

Conditions:
Medium-chain acyl-coenzyme A dehydrogenase deficiency (ACADMD). Also called: ACADM DEFICIENCY; MCADD; CARNITINE DEFICIENCY SECONDARY TO MEDIUM-CHAIN ACYL-CoA DEHYDROGENASE DEFICIENCY; MCADH DEFICIENCY; Medium chain acyl-CoA dehydrogenase deficiency; MCAD Deficiency. Identifiers: Orphanet 42, MedGen C0220710, MONDO:0008721, OMIM 201450.

Allele frequency attached by ClinVar (database versions not stated): gnomAD 0.00001; ExAC 0.00002; gnomAD exomes 0.00002 and 0.00003; 1000 Genomes Project 0.00020; 1000 Genomes Project 30x 0.00031.

Submissions (5):

Natera, Inc.
Classification: Likely pathogenic for Medium Chain Acyl-CoA Dehydrogenase Deficiency. Last evaluated: 2025-10-28. Review status: criteria provided, single submitter. Criteria: Natera Variant Classification Schema (03/2026). Collection method: clinical testing. Allele origin: germline.
Comment: The c.216+5G>T variant in ACADM is an intronic variant located outside the canonical splice sites. This variant is rare in the general population with a frequency below the threshold expected for the associated phenotype(s). This variant has been observed in one or more individuals affected with the associated recessive disease, as either homozygous or compound heterozygous with a second variant (PMID: 16291504). This variant has been identified in one or more affected individual with a phenotype highly consistent with the associated gene (PMID: 16291504). Computational prediction algorithms indicate this variant is likely to affect gene or protein function. Given the available evidence, this variant is classified as Likely Pathogenic.

GeneDx
Classification: Uncertain significance. Last evaluated: 2024-02-09. Review status: criteria provided, single submitter. Criteria: GeneDx Variant Classification Process June 2021. Collection method: clinical testing. Allele origin: germline. Affected: yes.
Comment: Reported in an infant with a positive newborn screen for MCAD who was heterozygous for another variant in ACADM (PMID: 16291504); In silico analysis supports a deleterious effect on splicing; This variant is associated with the following publications: (PMID: 25525159, 16291504)

Baylor Genetics
Classification: Likely pathogenic for Medium-chain acyl-coenzyme A dehydrogenase deficiency. Last evaluated: 2023-10-28. Review status: criteria provided, single submitter. Criteria: ACMG Guidelines, 2015. Collection method: clinical testing. Allele origin: unknown.

Labcorp Genetics (formerly Invitae), Labcorp
Classification: Likely pathogenic for Medium-chain acyl-coenzyme A dehydrogenase deficiency. Last evaluated: 2023-05-01. Review status: criteria provided, single submitter. Criteria: Invitae Variant Classification Sherloc (09022015). Collection method: clinical testing. Allele origin: germline.
Comment: This variant has been observed in individual(s) with medium chain acyl-CoA dehydrogenase deficiency (PMID: 16291504; Invitae). This sequence change falls in intron 3 of the ACADM gene. It does not directly change the encoded amino acid sequence of the ACADM protein. It affects a nucleotide within the consensus splice site. This variant is present in population databases (rs528788578, gnomAD 0.02%). ClinVar contains an entry for this variant (Variation ID: 1066634). Variants that disrupt the consensus splice site are a relatively common cause of aberrant splicing (PMID: 17576681, 9536098). Algorithms developed to predict the effect of sequence changes on RNA splicing suggest that this variant may disrupt the consensus splice site. In summary, the currently available evidence indicates that the variant is pathogenic, but additional data are needed to prove that conclusively. Therefore, this variant has been classified as Likely Pathogenic.

Revvity Omics, Revvity
Classification: Uncertain significance for Medium-chain acyl-coenzyme A dehydrogenase deficiency. Last evaluated: 2023-04-04. Review status: criteria provided, single submitter. Criteria: ACMG Guidelines, 2015. Collection method: clinical testing. Allele origin: germline.

Literature cited by the submitters: PubMed 16291504 (cited by Natera, Inc. and Labcorp Genetics (formerly Invitae), Labcorp); PubMed 17576681 (cited by Labcorp Genetics (formerly Invitae), Labcorp); PubMed 9536098 (cited by Labcorp Genetics (formerly Invitae), Labcorp).

NM_000016.6(ACADM):c.216+5G>T

Gene: ACADM (acyl-CoA dehydrogenase medium chain; plus strand). Cytogenetic location: 1p31.1.
Variant type: single nucleotide variant.
Coding change: c.216+5G>T on transcript NM_000016.6 (MANE Select); 5 bases into the intron after coding-DNA position 216, G replaced by T.
Molecular consequence: intron variant.
Genome position (GRCh38, 1-based): chr1:75,732,746, G>T. VCF-style: chr1-75732746-G-T. GRCh37 (hg19) VCF-style: chr1-76198431-G-T.
Other names: c.216+5G>T (NM_000016.5, NM_001286043.2); c.228+5G>T (NM_001127328.3); c.108+5G>T (NM_001286042.2); c.-170+5G>T (NM_001286044.2).
Identifiers: ClinVar variation 1066634 (VCV001066634.14), dbSNP rs528788578, ClinGen allele CA912985.